The following is an entry in ClinVar:

ClinVar aggregate classification (germline): Uncertain significance (1 of 4 stars; one submission).

Submission:

Labcorp Genetics (formerly Invitae), Labcorp
Classification: Uncertain significance. Last evaluated: 2023-03-13. Review status: criteria provided, single submitter. Criteria: Invitae Variant Classification Sherloc (09022015). Collection method: clinical testing. Allele origin: germline.
Comment: In summary, the available evidence is currently insufficient to determine the role of this variant in disease. Therefore, it has been classified as a Variant of Uncertain Significance. An algorithm developed to predict the effect of missense changes on protein structure and function (PolyPhen-2) suggests that this variant is likely to be tolerated. This variant has not been reported in the literature in individuals affected with USP7-related conditions. This variant is not present in population databases (gnomAD no frequency). This sequence change replaces proline, which is neutral and non-polar, with serine, which is neutral and polar, at codon 1065 of the USP7 protein (p.Pro1065Ser).

NM_003470.3(USP7):c.3193C>T (p.Pro1065Ser)

Gene: USP7 (ubiquitin specific peptidase 7; minus strand). Cytogenetic location: 16p13.2.
Variant type: single nucleotide variant.
Coding change: c.3193C>T on transcript NM_003470.3 (MANE Select); coding-DNA position 3193, C replaced by T.
Protein change: p.Pro1065Ser; replaces proline 1065 with serine.
Molecular consequence: missense variant. On other transcripts: non-coding transcript variant (1).
Genome position (GRCh38, 1-based): chr16:8,894,559, G>A on the plus strand (C>T on the coding strand, the complement: USP7 is on the minus strand). VCF-style: chr16-8894559-G-A. GRCh37 (hg19) VCF-style: chr16-8988416-G-A.
Other names: c.3145C>T, p.Pro1049Ser (NM_001286457.2); c.2896C>T, p.Pro966Ser (NM_001286458.2); c.3019C>T, p.Pro1007Ser (NM_001321858.2); short protein forms P1049S, P1065S, P1007S, P966S.
Identifiers: ClinVar variation 2845420 (VCV002845420.3), dbSNP rs2061653387, ClinGen allele CA394694848.